The following is an entry in ClinVar:

ClinVar aggregate classification (germline): Uncertain significance (1 of 4 stars; one submission).

Conditions:
Rafiq syndrome (RAFQS). Identifiers: Orphanet 88616, MedGen C3280127, MONDO:0013624, OMIM 614202.

Submission:

Labcorp Genetics (formerly Invitae), Labcorp
Classification: Uncertain significance for Rafiq syndrome. Last evaluated: 2024-10-24. Review status: criteria provided, single submitter. Criteria: Invitae Variant Classification Sherloc (09022015). Collection method: clinical testing. Allele origin: germline.
Comment: This variant, c.1450_1452dup, results in the insertion of 1 amino acid(s) of the MAN1B1 protein (p.Leu484dup), but otherwise preserves the integrity of the reading frame. This variant is present in population databases (no rsID available, gnomAD 0.0009%). This variant has not been reported in the literature in individuals affected with MAN1B1-related conditions. Algorithms developed to predict the effect of sequence changes on RNA splicing suggest that this variant may disrupt the consensus splice site. In summary, the available evidence is currently insufficient to determine the role of this variant in disease. Therefore, it has been classified as a Variant of Uncertain Significance.

NM_016219.5(MAN1B1):c.1447CTG[3] (p.Leu484_Glu485insLeu)

Gene: MAN1B1 (mannosidase alpha class 1B member 1; plus strand). Cytogenetic location: 9q34.3.
Variant type: Microsatellite.
Coding change: c.1447CTG[3] on transcript NM_016219.5 (MANE Select); three copies in a row of the 3-base unit CTG starting at c.1447; the reference has two copies in a row; one copy, 3 bases duplicated.
Protein change: p.Leu484_Glu485insLeu.
Molecular consequence: inframe insertion. On other transcripts: inframe indel (1), non-coding transcript variant (2).
Genome position (GRCh38, 1-based): chr9:137,106,693-137,106,695, CTG duplicated; duplicating any 3 consecutive bases within chr9:137,106,689-137,106,695 gives the same sequence; the position shown is the placement nearest the transcript's 3' end. VCF-style (leftmost placement, unchanged base first): chr9-137106688-G-GGCT. GRCh37 (hg19) VCF-style: chr9-140001140-G-GGCT.
Other names: c.1339_1341CTG[3], p.Leu448_Glu449insLeu (NM_007230.1).
Identifiers: ClinVar variation 1959538 (VCV001959538.5), dbSNP rs1320386039, ClinGen allele CA591205449.